The following is an entry in ClinVar:

ClinVar aggregate classification (germline): Uncertain significance (1 of 4 stars; one submission).

Submission:

Labcorp Genetics (formerly Invitae), Labcorp
Classification: Uncertain significance. Last evaluated: 2022-08-09. Review status: criteria provided, single submitter. Criteria: Invitae Variant Classification Sherloc (09022015). Collection method: clinical testing. Allele origin: germline.
Comment: This variant has not been reported in the literature in individuals affected with TMED7-related conditions. In summary, the available evidence is currently insufficient to determine the role of this variant in disease. Therefore, it has been classified as a Variant of Uncertain Significance. Algorithms developed to predict the effect of missense changes on protein structure and function (SIFT, PolyPhen-2, Align-GVGD) all suggest that this variant is likely to be tolerated. This variant is not present in population databases (gnomAD no frequency). This sequence change replaces alanine, which is neutral and non-polar, with serine, which is neutral and polar, at codon 34 of the TMED7 protein (p.Ala34Ser).

NM_181836.6(TMED7):c.100G>T (p.Ala34Ser)

Genes: TMED7 (transmembrane p24 trafficking protein 7; minus strand), TMED7-TICAM2 (TMED7-TICAM2 readthrough; minus strand), LOC129994401 (ATAC-STARR-seq lymphoblastoid silent region 16254; plus strand). Cytogenetic location: 5q22.3.
Variant type: single nucleotide variant.
Coding change: c.100G>T on transcript NM_181836.6 (MANE Select); coding-DNA position 100, G replaced by T.
Protein change: p.Ala34Ser; replaces alanine 34 with serine.
Molecular consequence: missense variant.
Genome position (GRCh38, 1-based): chr5:115,625,693, C>A on the plus strand (G>T on the coding strand, the complement: TMED7 is on the minus strand). VCF-style: chr5-115625693-C-A. GRCh37 (hg19) VCF-style: chr5-114961390-C-A.
Other names: c.100G>T, p.Ala34Ser (NM_001164468.4, NM_001164469.4); short protein forms A34S.
Identifiers: ClinVar variation 1939069 (VCV001939069.5), dbSNP rs757544217, ClinGen allele CA3375238.
Genomic context (GRCh38, chr5:115,625,693, plus strand): 5'-CGATGTCCTCGTAGAAGCACTGCTTGGCGTTGTCAGGAAGCTCGAAGGTGATCTCAGAGG[C>A]GCCGCCGGGTCCAGGCACCAGTAGCAGCAGTGCGAGCAGCCTGCACCCCCAACGGCCCGC-3'
Protein context (NP_861974.1, residues 24-44): LLLLVPGPGG[Ala34Ser]SEITFELPDN